The following is an entry in ClinVar:

NM_002471.4(MYH6):c.1131C>G (p.Asp377Glu)

Gene: MYH6 (myosin heavy chain 6; minus strand). Cytogenetic location: 14q11.2.
Variant type: single nucleotide variant.
Coding change: c.1131C>G on transcript NM_002471.4 (MANE Select); coding-DNA position 1131, C replaced by G.
Protein change: p.Asp377Glu; replaces aspartic acid 377 with glutamic acid.
Molecular consequence: missense variant.
Genome position (GRCh38, 1-based): chr14:23,402,474, G>C on the plus strand (C>G on the coding strand, the complement: MYH6 is on the minus strand). VCF-style: chr14-23402474-G-C. GRCh37 (hg19) VCF-style: chr14-23871683-G-C.
Other names: short protein forms D377E.
Identifiers: ClinVar variation 44448 (VCV000044448.28), dbSNP rs61742472, ClinGen allele CA134227.

ClinVar aggregate classification (germline): Benign/Likely benign. Review status: criteria provided, multiple submitters, no conflicts (2 of 4 stars). 13 submissions from 13 submitters: Benign (3); Likely benign (7). 3 of the submissions do not count toward it. Last evaluated 2026-01-26.

Conditions:
Cardiovascular phenotype. Identifiers: MedGen CN230736.
Cardiomyopathy (CMYO). Also called: Cardiomyopathies. Identifiers: Orphanet 167848, MedGen C0878544, MONDO:0004994, HP:0001638. Inheritance: Various modes of inheritance.
Hypertrophic cardiomyopathy 14. Identifiers: MedGen C2750467, MONDO:0013197, OMIM 613251.

Allele frequency attached by ClinVar (database versions not stated): ESP Exome Variant Server 0.00223; 1000 Genomes Project 30x 0.00203; 1000 Genomes Project 0.00220; TOPMed 0.00241.
gnomAD v4.1: 676 of 1,613,092 alleles (0.042%); highest among the groups gnomAD compares: African/African-American, 0.79%; 2 homozygotes.

Submissions (13):

Labcorp Genetics (formerly Invitae), Labcorp
Classification: Benign for Hypertrophic cardiomyopathy 14. Last evaluated: 2026-01-26. Review status: criteria provided, single submitter. Criteria: Invitae Variant Classification Sherloc (09022015). Collection method: clinical testing. Allele origin: germline.

ARUP Laboratories, Molecular Genetics and Genomics, ARUP Laboratories
Classification: Likely benign. Last evaluated: 2024-09-16. Review status: criteria provided, single submitter. Criteria: ARUP Molecular Germline Variant Investigation Process 2024. Collection method: clinical testing. Allele origin: germline.

Women's Health and Genetics/Laboratory Corporation of America, LabCorp
Classification: Likely benign. Last evaluated: 2022-04-24. Review status: criteria provided, single submitter. Criteria: LabCorp Variant Classification Summary - May 2015. Collection method: clinical testing. Allele origin: germline.

Ambry Genetics
Classification: Likely benign for Cardiovascular phenotype. Last evaluated: 2019-01-03. Review status: criteria provided, single submitter. Criteria: Ambry General Variant Classification Scheme_2022. Collection method: clinical testing. Allele origin: germline. Observed: 1 variant allele.

Center for Advanced Laboratory Medicine, UC San Diego Health, University of California San Diego
Classification: Likely benign for Cardiomyopathy. Last evaluated: 2018-11-28. Review status: criteria provided, single submitter. Criteria: ACMG Guidelines, 2015. Collection method: clinical testing. Allele origin: germline. Affected: yes. Observed: 1 variant allele.

CHEO Genetics Diagnostic Laboratory, Children's Hospital of Eastern Ontario
Classification: Likely benign for Cardiomyopathy. Last evaluated: 2017-02-16. Review status: criteria provided, single submitter. Criteria: ACMG Guidelines, 2015. Collection method: clinical testing. Allele origin: germline. Study: Canadian Open Genetics Repository.

GeneDx
Classification: Benign. Last evaluated: 2016-10-25. Review status: criteria provided, single submitter. Criteria: GeneDx Variant Classification (06012015). Collection method: clinical testing. Allele origin: germline. Affected: yes.
Comment: This variant is considered likely benign or benign based on one or more of the following criteria: it is a conservative change, it occurs at a poorly conserved position in the protein, it is predicted to be benign by multiple in silico algorithms, and/or has population frequency not consistent with disease.

Eurofins Ntd Llc (ga)
Classification: Likely benign. Last evaluated: 2015-05-19. Review status: criteria provided, single submitter. Criteria: EGL Classification Definitions 2015. Collection method: clinical testing. Allele origin: germline. Observed: 1 variant allele, 1 heterozygote.

Laboratory for Molecular Medicine, Mass General Brigham Personalized Medicine
Classification: Likely benign. Last evaluated: 2015-03-21. Review status: criteria provided, single submitter. Criteria: LMM Criteria. Collection method: clinical testing. Allele origin: germline. Observed: 3 variant alleles.
Comment: p.Asp377Glu in exon 12 of MYH6: This variant is not expected to have clinical si gnificance because it has been identified in 0.8% (83/10384) of African chromoso mes by the Exome Aggregation Consortium (ExAC; ; dbSNP rs61742472). This cohort included 2 individuals who carried this variant in the homozygous state.

Biesecker Lab/Clinical Genomics Section, National Institutes of Health
Classification: Benign. Last evaluated: 2013-06-24. Review status: criteria provided, single submitter. Criteria: Ng et al. (Circ Cardiovasc Genet. 2013). Collection method: research. Allele origin: unknown. Observed: 2 variant alleles. Study: ClinSeq.
Comment: The study set was not selected for affection status in relation to any cancer. Pathogenicity categories were based on literature curation. See Pubmed ID:23861362 for details.

Medical sequencing

Clinical Genetics DNA and cytogenetics Diagnostics Lab, Erasmus MC, Erasmus Medical Center
Classification: Benign. Review status: no assertion criteria provided. Collection method: clinical testing. Allele origin: germline. Affected: yes. Study: VKGL Data-share Consensus. Not counted in ClinVar's aggregate classification.

Clinical Genetics, Academic Medical Center
Classification: Benign. Review status: no assertion criteria provided. Collection method: clinical testing. Allele origin: germline. Affected: yes. Study: VKGL Data-share Consensus. Not counted in ClinVar's aggregate classification.

Genome Diagnostics Laboratory, University Medical Center Utrecht
Classification: Benign. Review status: no assertion criteria provided. Collection method: clinical testing. Allele origin: germline. Affected: yes. Study: VKGL Data-share Consensus. Not counted in ClinVar's aggregate classification.